The following is an entry in ClinVar:

NM_001142800.2(EYS):c.174G>A (p.Trp58Ter)

Gene: EYS (EGF-like photoreceptor maintenance factor; minus strand). Cytogenetic location: 6q12.
Variant type: single nucleotide variant.
Coding change: c.174G>A on transcript NM_001142800.2 (MANE Select); coding-DNA position 174, G replaced by A.
Protein change: p.Trp58Ter; replaces tryptophan 58 with a stop codon.
Molecular consequence: nonsense.
Genome position (GRCh38, 1-based): chr6:65,495,237, C>T on the plus strand (G>A on the coding strand, the complement: EYS is on the minus strand). VCF-style: chr6-65495237-C-T. GRCh37 (hg19) VCF-style: chr6-66205130-C-T.
Other names: c.174G>A, p.Trp58Ter (NM_001142801.2, NM_001292009.2, NM_198283.2); short protein forms W58*.
Identifiers: ClinVar variation 1297159 (VCV001297159.11), dbSNP rs1177052380, ClinGen allele CA364790483.

ClinVar aggregate classification (germline): Pathogenic/Likely pathogenic. Review status: criteria provided, multiple submitters, no conflicts (2 of 4 stars). 6 submissions from 6 submitters: Pathogenic (4); Likely pathogenic (2). Last evaluated 2025-08-04.

Conditions:
EYS-related disorder. Also called: EYS-related condition.
Retinitis pigmentosa (RP). Identifiers: Orphanet 791, MedGen C0035334, MeSH D012174, MONDO:0019200, OMIM 268000. Inheritance: Autosomal dominant, autosomal recessive and X linked inheritance.
Retinitis pigmentosa 25 (RP25). Identifiers: Orphanet 791, MedGen C1864446, MONDO:0011272, OMIM 602772.

Allele frequency attached by ClinVar (database versions not stated): gnomAD 0.00001; gnomAD exomes 0.00001; TOPMed 0.00001.
gnomAD v4.1: 4 of 1,614,030 alleles (0.00025%); highest among the groups gnomAD compares: Admixed American, 0.0067%; no homozygotes.

Submissions (6):

Natera, Inc.
Classification: Likely pathogenic for Retinitis pigmentosa type 25. Last evaluated: 2025-08-04. Review status: criteria provided, single submitter. Criteria: Natera Variant Classification Schema (03/2026). Collection method: clinical testing. Allele origin: germline.
Comment: The c.174G>A variant in EYS is a nonsense variant predicted to introduce a stop codon at amino acid 58. This variant is expected to result in nonsense mediated decay, truncation, or a dysfunctional protein product. This variant is rare in the general population with a frequency below the threshold expected for the associated phenotype(s). Given the available evidence, this variant is classified as Likely Pathogenic.

Labcorp Genetics (formerly Invitae), Labcorp
Classification: Pathogenic. Last evaluated: 2024-02-29. Review status: criteria provided, single submitter. Criteria: Invitae Variant Classification Sherloc (09022015). Collection method: clinical testing. Allele origin: germline.
Comment: This sequence change creates a premature translational stop signal (p.Trp58*) in the EYS gene. It is expected to result in an absent or disrupted protein product. Loss-of-function variants in EYS are known to be pathogenic (PMID: 18836446, 20333770). This variant is present in population databases (no rsID available, gnomAD 0.006%). This variant has not been reported in the literature in individuals affected with EYS-related conditions. ClinVar contains an entry for this variant (Variation ID: 1297159). For these reasons, this variant has been classified as Pathogenic.

Baylor Genetics
Classification: Likely pathogenic for Retinitis pigmentosa 25. Last evaluated: 2023-09-12. Review status: criteria provided, single submitter. Criteria: ACMG Guidelines, 2015. Collection method: clinical testing. Allele origin: unknown.

3billion
Classification: Pathogenic for Retinitis pigmentosa 25. Last evaluated: 2023-09-06. Review status: criteria provided, single submitter. Criteria: ACMG Guidelines, 2015. Collection method: clinical testing. Allele origin: germline. Affected: yes.
Comment: The variant is observed at an extremely low frequency in the gnomAD v2.1.1 dataset (total allele frequency: 0.001%). Predicted Consequence/Location: Stop-gained (nonsense): predicted to result in a loss or disruption of normal protein function through nonsense-mediated decay (NMD) or protein truncation. Multiple pathogenic variants are reported downstream of the variant. The variant has been reported at least twice as pathogenic without evidence for the classification (ClinVar ID: VCV001297159). Therefore, this variant is classified as Pathogenic according to the recommendation of ACMG/AMP guideline.

Blueprint Genetics
Classification: Pathogenic for EYS-related disorders. Last evaluated: 2022-02-08. Review status: criteria provided, single submitter. Criteria: ACMG Guidelines, 2015. Collection method: clinical testing. Allele origin: germline. Affected: yes. Observed: 2 variant alleles.

Broad Center for Mendelian Genomics, Broad Institute of MIT and Harvard
Classification: Pathogenic for Retinitis pigmentosa. Last evaluated: 2021-04-01. Review status: criteria provided, single submitter. Criteria: ACMG Guidelines, 2015. Collection method: curation. Allele origin: germline. Inheritance: Autosomal recessive inheritance. Affected: yes.
Comment: Through a review of available evidence we were able to apply the following criteria: PVS1, PM2, PM3-P. Based on this evidence we have classified this variant as Pathogenic. If you have any questions about the classification please reach out to the Pierce Lab.

Literature cited by the submitters: PubMed 18836446 (cited by Labcorp Genetics (formerly Invitae), Labcorp); PubMed 20333770 (cited by Labcorp Genetics (formerly Invitae), Labcorp); PubMed 34906470 (cited by Broad Center for Mendelian Genomics, Broad Institute of MIT and Harvard).